The following is an entry in ClinVar:

ClinVar aggregate classification (germline): Likely pathogenic. Review status: criteria provided, single submitter (1 of 4 stars). 2 submissions from 2 submitters: Likely pathogenic (1). 1 of the submissions does not count toward it. Last evaluated 2017-01-04.

Conditions:
Cardiovascular phenotype. Identifiers: MedGen CN230736.
Familial long QT syndrome (RWS). Also called: Congenital long QT syndrome; Romano-Ward syndrome; VENTRICULAR FIBRILLATION WITH PROLONGED QT INTERVAL. Identifiers: Orphanet 768, MedGen C1141890, MONDO:0019171.

Submissions (2):

Ambry Genetics
Classification: Likely pathogenic for Cardiovascular phenotype. Last evaluated: 2017-01-04. Review status: criteria provided, single submitter. Criteria: Ambry Variant Classification Scheme 2023. Collection method: clinical testing. Allele origin: germline.
Comment: The p.V254L variant (also known as c.760G>T), located in coding exon 5 of the KCNQ1 gene, results from a G to T substitution at nucleotide position 760. The valine at codon 254 is replaced by leucine, an amino acid with highly similar properties, and is located in the S4-S5 linker region. This variant has been reported in individuals with long QT syndrome (LQTS) (Zareba W et al. J. Cardiovasc. Electrophysiol., 2003 Nov;14:1149-53; Napolitano C et al. JAMA, 2005 Dec;294:2975-80). Alternate amino acid substitutions at this position (p.V254M, p.V254A) have also been reported to adversely affect the voltage-gated potassium ion channel in individuals with LQTS (Wang Z et al. J Cardiovasc Electrophysiol. 1999;10(6):817-26; Labro AJ et al. J. Biol. Chem., 2011 Jan;286:717-25). This amino acid position is highly conserved in available vertebrate species. In addition, this alteration is predicted to be deleterious by in silico analysis. Based on the majority of available evidence to date, this variant is likely to be pathogenic.

Cardiovascular Biomedical Research Unit, Royal Brompton & Harefield NHS Foundation Trust
No classification provided. Condition: Familial long QT syndrome. Review status: no classification provided. Collection method: literature only. Allele origin: germline. Not counted in ClinVar's aggregate classification.
Comment: This variant has been reported as associated with Long QT syndrome in the following publications (PMID:14678125;PMID:16414944;PMID:17999538). This is a literature report, and does not necessarily reflect the clinical interpretation of the Imperial College / Royal Brompton Cardiovascular Genetics laboratory.

Literature cited by the submitters: PubMed 10376919 (cited by Ambry Genetics); PubMed 14678125 (cited by Ambry Genetics and Cardiovascular Biomedical Research Unit, Royal Brompton & Harefield NHS Foundation Trust); PubMed 16414944 (cited by Ambry Genetics and Cardiovascular Biomedical Research Unit, Royal Brompton & Harefield NHS Foundation Trust); PubMed 21059661 (cited by Ambry Genetics); PubMed 17999538 (cited by Cardiovascular Biomedical Research Unit, Royal Brompton & Harefield NHS Foundation Trust); PubMed 22581653 (cited by Cardiovascular Biomedical Research Unit, Royal Brompton & Harefield NHS Foundation Trust).

NM_000218.3(KCNQ1):c.760G>T (p.Val254Leu)

Gene: KCNQ1 (potassium voltage-gated channel subfamily Q member 1; plus strand). Cytogenetic location: 11p15.5.
Variant type: single nucleotide variant.
Coding change: c.760G>T on transcript NM_000218.3 (MANE Select); coding-DNA position 760, G replaced by T.
Protein change: p.Val254Leu; replaces valine 254 with leucine.
Molecular consequence: missense variant.
Genome position (GRCh38, 1-based): chr11:2,572,089, G>T. VCF-style: chr11-2572089-G-T. GRCh37 (hg19) VCF-style: chr11-2593319-G-T.
Other names: c.760G>T (LRG_287t1); c.760G>T, p.Val254Leu (NM_001406836.1); c.490G>T, p.Val164Leu (NM_001406837.1); c.379G>T, p.Val127Leu (NM_181798.2); short protein forms V254L, V127L, V164L.
Identifiers: ClinVar variation 53096 (VCV000053096.7), dbSNP rs120074179, ClinGen allele CA008142.